The following is an entry in ClinVar:

NM_014241.4(HACD1):c.800A>G (p.Tyr267Cys)

Gene: HACD1 (3-hydroxyacyl-CoA dehydratase 1; minus strand). Cytogenetic location: 10p12.33.
Variant type: single nucleotide variant.
Coding change: c.800A>G on transcript NM_014241.4 (MANE Select); coding-DNA position 800, A replaced by G.
Protein change: p.Tyr267Cys; replaces tyrosine 267 with cysteine.
Molecular consequence: missense variant.
Genome position (GRCh38, 1-based): chr10:17,590,431, T>C on the plus strand (A>G on the coding strand, the complement: HACD1 is on the minus strand). VCF-style: chr10-17590431-T-C. GRCh37 (hg19) VCF-style: chr10-17632430-T-C.
Other names: short protein forms Y267C.
Identifiers: ClinVar variation 1908570 (VCV001908570.3), dbSNP rs782263866, ClinGen allele CA5427204.

ClinVar aggregate classification (germline): Uncertain significance (1 of 4 stars; one submission).

Allele frequency attached by ClinVar (database versions not stated): gnomAD exomes 0.00001; ExAC 0.00002; gnomAD 0.00003.
gnomAD v4.1: 19 of 1,593,226 alleles (0.0012%); highest among the groups gnomAD compares: Admixed American, 0.0052%; no homozygotes.

Submission:

Labcorp Genetics (formerly Invitae), Labcorp
Classification: Uncertain significance. Last evaluated: 2022-08-17. Review status: criteria provided, single submitter. Criteria: Invitae Variant Classification Sherloc (09022015). Collection method: clinical testing. Allele origin: germline.
Comment: In summary, the available evidence is currently insufficient to determine the role of this variant in disease. Therefore, it has been classified as a Variant of Uncertain Significance. Algorithms developed to predict the effect of missense changes on protein structure and function (SIFT, PolyPhen-2, Align-GVGD) all suggest that this variant is likely to be disruptive. This variant has not been reported in the literature in individuals affected with HACD1-related conditions. This variant is present in population databases (rs782263866, gnomAD 0.006%). This sequence change replaces tyrosine, which is neutral and polar, with cysteine, which is neutral and slightly polar, at codon 267 of the HACD1 protein (p.Tyr267Cys).